The following is an entry in ClinVar:

ClinVar aggregate classification (germline): Uncertain significance (1 of 4 stars; one submission).

Allele frequency attached by ClinVar (database versions not stated): TOPMed below 0.00001.

Submission:

Labcorp Genetics (formerly Invitae), Labcorp
Classification: Uncertain significance. Last evaluated: 2020-12-26. Review status: criteria provided, single submitter. Criteria: Invitae Variant Classification Sherloc (09022015). Collection method: clinical testing. Allele origin: germline.
Comment: In summary, the available evidence is currently insufficient to determine the role of this variant in disease. Therefore, it has been classified as a Variant of Uncertain Significance. Algorithms developed to predict the effect of missense changes on protein structure and function (SIFT, PolyPhen-2, Align-GVGD) all suggest that this variant is likely to be tolerated, but these predictions have not been confirmed by published functional studies and their clinical significance is uncertain. This variant has not been reported in the literature in individuals with MCM4-related conditions. This variant is not present in population databases (ExAC no frequency). This sequence change replaces glutamic acid with lysine at codon 277 of the MCM4 protein (p.Glu277Lys). The glutamic acid residue is moderately conserved and there is a small physicochemical difference between glutamic acid and lysine.

NM_182746.3(MCM4):c.829G>A (p.Glu277Lys)

Gene: MCM4 (minichromosome maintenance complex component 4; plus strand). Cytogenetic location: 8q11.21.
Variant type: single nucleotide variant.
Coding change: c.829G>A on transcript NM_182746.3 (MANE Select); coding-DNA position 829, G replaced by A.
Protein change: p.Glu277Lys; replaces glutamic acid 277 with lysine.
Molecular consequence: missense variant.
Genome position (GRCh38, 1-based): chr8:47,964,709, G>A. VCF-style: chr8-47964709-G-A. GRCh37 (hg19) VCF-style: chr8-48877269-G-A.
Other names: c.829G>A, p.Glu277Lys (NM_005914.4); short protein forms E277K.
Identifiers: ClinVar variation 1461957 (VCV001461957.8), dbSNP rs2090883014, ClinGen allele CA371148081.